The following is an entry in ClinVar:

ClinVar aggregate classification (germline): Uncertain significance (1 of 4 stars; one submission).

Conditions:
Familial adenomatous polyposis 2. Also called: MYH-associated polyposis; FAP type 2; MUTYH-related attenuated familial adenomatous polyposis; Adenomas, multiple colorectal; ADENOMAS, MULTIPLE COLORECTAL, AUTOSOMAL RECESSIVE; MUTYH Polyposis. Identifiers: Orphanet 220460, Orphanet 247798, MedGen C3272841, MONDO:0012041, OMIM 608456.

Allele frequency attached by ClinVar (database versions not stated): gnomAD exomes below 0.00001; ExAC 0.00001.

Submission:

Labcorp Genetics (formerly Invitae), Labcorp
Classification: Uncertain significance for Familial adenomatous polyposis 2. Last evaluated: 2024-07-04. Review status: criteria provided, single submitter. Criteria: Invitae Variant Classification Sherloc (09022015). Collection method: clinical testing. Allele origin: germline.
Comment: This sequence change replaces glycine, which is neutral and non-polar, with arginine, which is basic and polar, at codon 286 of the MUTYH protein (p.Gly286Arg). This variant is present in population databases (rs772540425, gnomAD 0.003%). This variant has not been reported in the literature in individuals affected with MUTYH-related conditions. ClinVar contains an entry for this variant (Variation ID: 855046). An algorithm developed to predict the effect of missense changes on protein structure and function (PolyPhen-2) suggests that this variant is likely to be disruptive. This variant disrupts the p.Gly286 amino acid residue in MUTYH. Other variant(s) that disrupt this residue have been determined to be pathogenic (PMID: 17703316, 18422726, 25892863). This suggests that this residue is clinically significant, and that variants that disrupt this residue are likely to be disease-causing. In summary, the available evidence is currently insufficient to determine the role of this variant in disease. Therefore, it has been classified as a Variant of Uncertain Significance.

Literature cited by the submitters: PubMed 17703316; PubMed 18422726; PubMed 25892863.

NM_001048174.2(MUTYH):c.772G>A (p.Gly258Arg)

Gene: MUTYH (mutY DNA glycosylase; minus strand). Cytogenetic location: 1p34.1.
Variant type: single nucleotide variant.
Coding change: c.772G>A on transcript NM_001048174.2 (MANE Select); coding-DNA position 772, G replaced by A.
Protein change: p.Gly258Arg; replaces glycine 258 with arginine.
Molecular consequence: missense variant. On other transcripts: non-coding transcript variant (2).
Genome position (GRCh38, 1-based): chr1:45,332,243, C>T on the plus strand (G>A on the coding strand, the complement: MUTYH is on the minus strand). VCF-style: chr1-45332243-C-T. GRCh37 (hg19) VCF-style: chr1-45797915-C-T.
Other names: c.772G>A, p.Gly258Arg (NM_001048171.2, NM_001048173.2, NM_001293195.2); c.775G>A, p.Gly259Arg (NM_001048172.2); c.856G>A, p.Gly286Arg (NM_001128425.2); c.817G>A, p.Gly273Arg (NM_001293190.2); c.805G>A, p.Gly269Arg (NM_001293191.2); c.496G>A, p.Gly166Arg (NM_001293192.2, NM_001293196.2); c.427G>A, p.Gly143Arg (NM_001350650.2, NM_001350651.2); c.847G>A, p.Gly283Arg (NM_012222.3); short protein forms G143R, G259R, G269R, G166R, G273R, G258R, G283R, G286R.
Identifiers: ClinVar variation 855046 (VCV000855046.9), dbSNP rs772540425, ClinGen allele CA059342.
Genomic context (GRCh38, chr1:45,332,243, plus strand): 5'-ACAGGCTCTCCACAGGGCACTGGCTGCACAGTGGGCGCTGTGGGGTACACACTGTGGCCC[C>T]TAGCTCCATGGCTGCTTGGTTGAAATCTCCTGGCCGGGCTGGGTCCACCAGCTGCTGGGC-3'
Protein context (NP_001041639.1, residues 248-268): GDFNQAAMEL[Gly258Arg]ATVCTPQRPL